The following is an entry in ClinVar:

ClinVar aggregate classification (germline): Uncertain significance (1 of 4 stars; one submission).

Conditions:
Febrile seizures, familial, 11 (FEB11). Also called: CONVULSIONS, FAMILIAL FEBRILE, 11. Identifiers: MedGen C3280734, MONDO:0024566, OMIM 614418.

Allele frequency attached by ClinVar (database versions not stated): gnomAD exomes below 0.00001; ExAC 0.00001.
gnomAD v4.1: 1 of 1,613,668 alleles (0.000062%); highest among the groups gnomAD compares: Admixed American, 0.0017%; no homozygotes.

Submission:

Labcorp Genetics (formerly Invitae), Labcorp
Classification: Uncertain significance for Febrile seizures, familial, 11. Last evaluated: 2017-09-27. Review status: criteria provided, single submitter. Criteria: Invitae Variant Classification Sherloc (09022015). Collection method: clinical testing. Allele origin: germline.
Comment: In summary, the available evidence is currently insufficient to determine the role of this variant in disease. Therefore, it has been classified as a Variant of Uncertain Significance. Algorithms developed to predict the effect of missense changes on protein structure and function do not agree on the potential impact of this missense change (SIFT: "Deleterious"; PolyPhen-2: "Probably Damaging"; Align-GVGD: "Class C0"). This variant has not been reported in the literature in individuals with CPA6-related disease. This variant is present in population databases (rs781369203, ExAC 0.009%). This sequence change replaces tryptophan with arginine at codon 253 of the CPA6 protein (p.Trp253Arg). The tryptophan residue is highly conserved and there is a moderate physicochemical difference between tryptophan and arginine.

NM_020361.5(CPA6):c.757T>C (p.Trp253Arg)

Genes: ARFGEF1-DT (ARFGEF1 divergent transcript; plus strand), CPA6 (carboxypeptidase A6; minus strand). Cytogenetic location: 8q13.2.
Variant type: single nucleotide variant.
Coding change: c.757T>C on transcript NM_020361.5 (MANE Select); coding-DNA position 757, T replaced by C.
Protein change: p.Trp253Arg; replaces tryptophan 253 with arginine.
Molecular consequence: missense variant.
Genome position (GRCh38, 1-based): chr8:67,483,849, A>G on the plus strand (T>C on the coding strand, the complement: CPA6 is on the minus strand). VCF-style: chr8-67483849-A-G. GRCh37 (hg19) VCF-style: chr8-68396084-A-G.
Other names: short protein forms W253R.
Identifiers: ClinVar variation 539975 (VCV000539975.8), dbSNP rs781369203, ClinGen allele CA4772855.
Genomic context (GRCh38, chr8:67,483,849, plus strand): 5'-TTCTATTGGCATCCACTCCACGGCAGCGAAACCTTGAGTTCCTTGACCTTGTTTTTCTCC[A>G]AAATCGATCCTAGACATAATTAAGAAAACAGGTGCTGAGAAAAATACTTAAAAGGTTATT-3'
Protein context (NP_065094.3, residues 243-263): YHFSWTNDRF[Trp253Arg]RKTRSRNSRF